The following is an entry in ClinVar:

NM_006922.4(SCN3A):c.1093A>G (p.Ser365Gly)

Gene: SCN3A (sodium voltage-gated channel alpha subunit 3; minus strand). Cytogenetic location: 2q24.3.
Variant type: single nucleotide variant.
Coding change: c.1093A>G on transcript NM_006922.4 (MANE Select); coding-DNA position 1093, A replaced by G.
Protein change: p.Ser365Gly; replaces serine 365 with glycine.
Molecular consequence: missense variant.
Genome position (GRCh38, 1-based): chr2:165,155,842, T>C on the plus strand (A>G on the coding strand, the complement: SCN3A is on the minus strand). VCF-style: chr2-165155842-T-C. GRCh37 (hg19) VCF-style: chr2-166012352-T-C.
Other names: c.1093A>G, p.Ser365Gly (NM_001081676.2, NM_001081677.2); short protein forms S365G.
Identifiers: ClinVar variation 1349940 (VCV001349940.6), dbSNP rs2105866646, ClinGen allele CA349238532.

ClinVar aggregate classification (germline): Uncertain significance (1 of 4 stars; one submission).

Submission:

Labcorp Genetics (formerly Invitae), Labcorp
Classification: Uncertain significance. Last evaluated: 2024-10-15. Review status: criteria provided, single submitter. Criteria: Invitae Variant Classification Sherloc (09022015). Collection method: clinical testing. Allele origin: germline.
Comment: This sequence change replaces serine, which is neutral and polar, with glycine, which is neutral and non-polar, at codon 365 of the SCN3A protein (p.Ser365Gly). This variant is not present in population databases (gnomAD no frequency). This variant has not been reported in the literature in individuals affected with SCN3A-related conditions. ClinVar contains an entry for this variant (Variation ID: 1349940). Invitae Evidence Modeling of protein sequence and biophysical properties (such as structural, functional, and spatial information, amino acid conservation, physicochemical variation, residue mobility, and thermodynamic stability) has been performed for this missense variant. However, the output from this modeling did not meet the statistical confidence thresholds required to predict the impact of this variant on SCN3A protein function. In summary, the available evidence is currently insufficient to determine the role of this variant in disease. Therefore, it has been classified as a Variant of Uncertain Significance.